The following is an entry in ClinVar:

NM_000535.7(PMS2):c.203T>G (p.Val68Gly)

Gene: PMS2 (PMS1 homolog 2, mismatch repair system component; minus strand). Cytogenetic location: 7p22.1.
Variant type: single nucleotide variant.
Coding change: c.203T>G on transcript NM_000535.7 (MANE Select); coding-DNA position 203, T replaced by G.
Protein change: p.Val68Gly; replaces valine 68 with glycine.
Molecular consequence: missense variant. On other transcripts: 5 prime UTR variant (11), non-coding transcript variant (1).
Genome position (GRCh38, 1-based): chr7:6,004,019, A>C on the plus strand (T>G on the coding strand, the complement: PMS2 is on the minus strand). VCF-style: chr7-6004019-A-C. GRCh37 (hg19) VCF-style: chr7-6043650-A-C.
Other names: c.-203T>G (NM_001018040.1, NM_001322003.2, NM_001322004.2 and 14 more transcripts); c.203T>G, p.Val68Gly (NM_001322006.2, NM_001322014.2, NM_001406868.1 and 10 more transcripts); c.-13T>G (NM_001322007.2, NM_001322008.2, NM_001406876.1 and 4 more transcripts); c.-682T>G (NM_001322011.2, NM_001322012.2); c.-282T>G (NM_001322015.2, NM_001406875.1, NM_001406877.1 and 3 more transcripts); c.389T>G, p.Val130Gly (NM_001406866.1); c.-229T>G (NM_001406880.1); c.-179T>G (NM_001406881.1, NM_001406900.1); and 2 more; short protein forms V68G, V130G.
Identifiers: ClinVar variation 2015957 (VCV002015957.4), dbSNP rs2128830126, ClinGen allele CA366744857.

ClinVar aggregate classification (germline): Uncertain significance (1 of 4 stars; one submission).

Conditions:
Hereditary nonpolyposis colorectal neoplasms. Identifiers: MedGen C0009405, MeSH D003123.

Submission:

Labcorp Genetics (formerly Invitae), Labcorp
Classification: Uncertain significance for Hereditary nonpolyposis colorectal neoplasms. Last evaluated: 2025-07-21. Review status: criteria provided, single submitter. Criteria: Invitae Variant Classification Sherloc (09022015). Collection method: clinical testing. Allele origin: germline.
Comment: This sequence change replaces valine, which is neutral and non-polar, with glycine, which is neutral and non-polar, at codon 68 of the PMS2 protein (p.Val68Gly). This variant is not present in population databases (gnomAD no frequency). This variant has not been reported in the literature in individuals affected with PMS2-related conditions. ClinVar contains an entry for this variant (Variation ID: 2015957). Invitae Evidence Modeling incorporating data from in vitro experimental studies (internal data) indicates that this missense variant is not expected to disrupt PMS2 function with a negative predictive value of 95%. In summary, the available evidence is currently insufficient to determine the role of this variant in disease. Therefore, it has been classified as a Variant of Uncertain Significance.